The following is an entry in ClinVar:

ClinVar aggregate classification (germline): Uncertain significance. Review status: criteria provided, multiple submitters, no conflicts (2 of 4 stars). 2 submissions from 2 submitters: Uncertain significance (2). Last evaluated 2025-07-13.

Conditions:
Cardiovascular phenotype. Identifiers: MedGen CN230736.

Submissions (2):

Labcorp Genetics (formerly Invitae), Labcorp
Classification: Uncertain significance. Last evaluated: 2025-07-13. Review status: criteria provided, single submitter. Criteria: Invitae Variant Classification Sherloc (09022015). Collection method: clinical testing. Allele origin: germline.
Comment: This sequence change replaces lysine, which is basic and polar, with arginine, which is basic and polar, at codon 270 of the LOX protein (p.Lys270Arg). This variant is not present in population databases (gnomAD no frequency). This variant has not been reported in the literature in individuals affected with LOX-related conditions. ClinVar contains an entry for this variant (Variation ID: 3538991). Invitae Evidence Modeling of protein sequence and biophysical properties (such as structural, functional, and spatial information, amino acid conservation, physicochemical variation, residue mobility, and thermodynamic stability) has been performed for this missense variant. However, the output from this modeling did not meet the statistical confidence thresholds required to predict the impact of this variant on LOX protein function. In summary, the available evidence is currently insufficient to determine the role of this variant in disease. Therefore, it has been classified as a Variant of Uncertain Significance.

Ambry Genetics
Classification: Uncertain significance for Cardiovascular phenotype. Last evaluated: 2024-08-15. Review status: criteria provided, single submitter. Criteria: Ambry Variant Classification Scheme 2023. Collection method: clinical testing. Allele origin: germline.
Comment: The p.K270R variant (also known as c.809A>G), located in coding exon 3 of the LOX gene, results from an A to G substitution at nucleotide position 809. The lysine at codon 270 is replaced by arginine, an amino acid with highly similar properties. This amino acid position is conserved. In addition, this alteration is predicted to be tolerated by in silico analysis. Based on the available evidence, the clinical significance of this variant remains unclear.

NM_002317.7(LOX):c.809A>G (p.Lys270Arg)

Genes: LOX (lysyl oxidase; minus strand), SRFBP1 (serum response factor binding protein 1; plus strand). Cytogenetic location: 5q23.1.
Variant type: single nucleotide variant.
Coding change: c.809A>G on transcript NM_002317.7 (MANE Select); coding-DNA position 809, A replaced by G.
Protein change: p.Lys270Arg; replaces lysine 270 with arginine.
Molecular consequence: missense variant. On other transcripts: 5 prime UTR variant (1).
Genome position (GRCh38, 1-based): chr5:122,075,473, T>C on the plus strand (A>G on the coding strand, the complement: LOX is on the minus strand). VCF-style: chr5-122075473-T-C. GRCh37 (hg19) VCF-style: chr5-121411168-T-C.
Other names: c.119A>G, p.Lys40Arg (NM_001178102.2); c.-83A>G (NM_001317073.1); short protein forms K40R, K270R.
Identifiers: ClinVar variation 3538991 (VCV003538991.2).